The following is an entry in ClinVar:

NR_003051.3(RMRP):n.-6_-5insATCTGTGAAGCTGA

Gene: RMRP (RNA component of mitochondrial RNA processing endoribonuclease; minus strand). Cytogenetic location: 9p13.3.
Variant type: Insertion.
Genome position: GRCh38 VCF-style: chr9-35658023-C-CTCAGCTTCACAGAT. GRCh37 (hg19) VCF-style: chr9-35658020-C-CTCAGCTTCACAGAT.
Identifiers: ClinVar variation 974997 (VCV000974997.1), dbSNP rs1554651439, ClinGen allele CA1139660935.
Genomic context (GRCh38, chr9:35,658,023, plus strand): 5'-GGGGAGGAACAGAGTCCTCAGTGTGTAGCCTAGGATACAGGCCTTCAGCACGAACCACGT[C>CTCAGCTTCACAGAT]CTCAGCTTCACAGAGTAGTATTTTATAGCCCTAAAGAAATTGTGTTTTATGATTAGGGTG-3'

ClinVar aggregate classification (germline): Likely pathogenic (1 of 4 stars; one submission).

Conditions:
Metaphyseal chondrodysplasia, McKusick type (CHH). Also called: Cartilage-hair hypoplasia; Cartilage-Hair Hypoplasia (CHH). Identifiers: Orphanet 175, MedGen C0220748, MONDO:0009595, OMIM 250250.

Submission:

Women's Health and Genetics/Laboratory Corporation of America, LabCorp
Classification: Likely pathogenic for Metaphyseal chondrodysplasia, McKusick type. Last evaluated: 2020-07-28. Review status: criteria provided, single submitter. Criteria: LabCorp Variant Classification Summary - May 2015. Collection method: clinical testing. Allele origin: germline.
Comment: Variant summary: RMRP n.-6_-5ins14 involves the insertion of 14 nucleotides in the promoter region of the RMRP gene, which is located between the TATA box (at position -33 to -25) and the transcription initiation start site (at +1). Other insertions and duplications in the promoter region of RMRP have been classified as pathogenic (internally and in ClinVar). The variant was absent in 127922 control chromosomes. To our knowledge, no occurrence of n.-6_-5ins14 in individuals affected with Cartilage-Hair Hypoplasia and no experimental evidence demonstrating its impact on protein function have been reported. However, many other insertions and duplications in the promoter region of RMRP have been reported in affected individuals in the literature (e.g. PMIDs: 21956908, 21396580) and have been demonstrated through functional studies to lead to reduced RMRP transcription (e.g. PMIDs: 11207361, 16254002). No clinical diagnostic laboratories have submitted clinical-significance assessments for this variant to ClinVar after 2014. Based on the evidence outlined above, the variant was classified as likely pathogenic.